The following is an entry in ClinVar:

ClinVar aggregate classification (germline): Uncertain significance (1 of 4 stars; one submission).

Allele frequency attached by ClinVar (database versions not stated): gnomAD exomes 0.00001.
gnomAD v4.1: 3 of 1,613,844 alleles (0.00019%); highest among the groups gnomAD compares: Admixed American, 0.0033%; no homozygotes.

Submission:

Labcorp Genetics (formerly Invitae), Labcorp
Classification: Uncertain significance. Last evaluated: 2023-10-29. Review status: criteria provided, single submitter. Criteria: Invitae Variant Classification Sherloc (09022015). Collection method: clinical testing. Allele origin: germline.
Comment: This sequence change replaces proline, which is neutral and non-polar, with leucine, which is neutral and non-polar, at codon 88 of the CEP97 protein (p.Pro88Leu). This variant is present in population databases (no rsID available, gnomAD 0.006%). This variant has not been reported in the literature in individuals affected with CEP97-related conditions. Advanced modeling of protein sequence and biophysical properties (such as structural, functional, and spatial information, amino acid conservation, physicochemical variation, residue mobility, and thermodynamic stability) performed at Invitae indicates that this missense variant is expected to disrupt CEP97 protein function with a positive predictive value of 80%. In summary, the available evidence is currently insufficient to determine the role of this variant in disease. Therefore, it has been classified as a Variant of Uncertain Significance.

NM_024548.4(CEP97):c.263C>T (p.Pro88Leu)

Gene: CEP97 (centrosomal protein 97; plus strand). Cytogenetic location: 3q12.3.
Variant type: single nucleotide variant.
Coding change: c.263C>T on transcript NM_024548.4 (MANE Select); coding-DNA position 263, C replaced by T.
Protein change: p.Pro88Leu; replaces proline 88 with leucine.
Molecular consequence: missense variant.
Genome position (GRCh38, 1-based): chr3:101,727,459, C>T. VCF-style: chr3-101727459-C-T. GRCh37 (hg19) VCF-style: chr3-101446303-C-T.
Other names: c.263C>T, p.Pro88Leu (NM_001303401.2, NM_001410784.1, NM_001410785.1); short protein forms P88L.
Identifiers: ClinVar variation 2726246 (VCV002726246.3), dbSNP rs1417174177, ClinGen allele CA353884317.